The following is an entry in ClinVar:

ClinVar aggregate classification (germline): Uncertain significance (1 of 4 stars; one submission).

Conditions:
Inborn genetic diseases. Identifiers: MedGen C0950123, MeSH D030342.

Submission:

Ambry Genetics
Classification: Uncertain significance for Inborn genetic diseases. Last evaluated: 2025-05-04. Review status: criteria provided, single submitter. Criteria: Ambry Variant Classification Scheme 2023. Collection method: clinical testing. Allele origin: germline.
Comment: The p.T147S variant (also known as c.440C>G), located in coding exon 6 of the DDX41 gene, results from a C to G substitution at nucleotide position 440. The threonine at codon 147 is replaced by serine, an amino acid with similar properties. This amino acid position is conserved. In addition, this alteration is predicted to be tolerated by in silico analysis. Based on the available evidence, the clinical significance of this variant remains unclear.

NM_016222.4(DDX41):c.440C>G (p.Thr147Ser)

Gene: DDX41 (DEAD-box helicase 41; minus strand). Cytogenetic location: 5q35.3.
Variant type: single nucleotide variant.
Coding change: c.440C>G on transcript NM_016222.4 (MANE Select); coding-DNA position 440, C replaced by G.
Protein change: p.Thr147Ser; replaces threonine 147 with serine.
Molecular consequence: missense variant.
Genome position (GRCh38, 1-based): chr5:177,515,816, G>C on the plus strand (C>G on the coding strand, the complement: DDX41 is on the minus strand). VCF-style: chr5-177515816-G-C. GRCh37 (hg19) VCF-style: chr5-176942817-G-C.
Other names: c.62C>G, p.Thr21Ser (NM_001321732.2, NM_001321830.2); short protein forms T21S, T147S.
Identifiers: ClinVar variation 4010346 (VCV004010346.1).